The following is an entry in ClinVar:

NM_004595.5(SMS):c.50-139TTTA[8]

Gene: SMS (spermine synthase; plus strand). Cytogenetic location: Xp22.11.
Variant type: Microsatellite.
Coding change: c.50-139TTTA[8] on transcript NM_004595.5 (MANE Select); eight copies in a row of the 4-base unit TTTA starting at c.50-139; the reference has nine copies in a row; one copy, 4 bases deleted.
Molecular consequence: intron variant.
Genome position (GRCh38, 1-based): chrX:21,967,089-21,967,092, TTTA deleted; deleting any 4 consecutive bases within chrX:21,967,057-21,967,092 gives the same sequence; the position shown is the placement nearest the transcript's 3' end. VCF-style (leftmost placement, unchanged base first): chrX-21967056-TTTTA-T. GRCh37 (hg19) VCF-style: chrX-21985174-TTTTA-T.
Other names: c.50-139TTTA[8] (NM_001258423.2).
Identifiers: ClinVar variation 1804569 (VCV001804569.1), dbSNP rs565160089, ClinGen allele CA327511597.

ClinVar aggregate classification (germline): Likely benign (1 of 4 stars; one submission).

Submission:

GeneDx
Classification: Likely benign. Last evaluated: 2021-05-20. Review status: criteria provided, single submitter. Criteria: GeneDx Variant Classification Process June 2021. Collection method: clinical testing. Allele origin: germline. Affected: yes.
Comment: See Variant Classification Assertion Criteria.